The following is an entry in ClinVar:

NM_001374828.1(ARID1B):c.2248-35G>A

Gene: ARID1B (AT-rich interaction domain 1B; plus strand). Cytogenetic location: 6q25.3.
Variant type: single nucleotide variant.
Coding change: c.2248-35G>A on transcript NM_001374828.1 (MANE Select); 35 bases into the intron before coding-DNA position 2248, G replaced by A.
Molecular consequence: intron variant.
Genome position (GRCh38, 1-based): chr6:157,084,627, G>A. VCF-style: chr6-157084627-G-A. GRCh37 (hg19) VCF-style: chr6-157405761-G-A.
Other names: c.2038-35G>A (NM_020732.3); c.2287-35G>A (NM_001371656.1, NM_001374820.1); c.2248-35G>A (NM_017519.3); c.-252-35G>A (NM_001363725.2).
Identifiers: ClinVar variation 126319 (VCV000126319.11), dbSNP rs3734440, ClinGen allele CA151039.

ClinVar aggregate classification (germline): Benign. Review status: criteria provided, multiple submitters, no conflicts (2 of 4 stars). 3 submissions from 3 submitters: Benign (2). 1 of the submissions does not count toward it. Last evaluated 2021-07-14.

Conditions:
Coffin-Siris syndrome 1 (CSS1). Also called: Mental retardation, autosomal dominant 12; ARID1B-Related Coffin-Siris Syndrome. Identifiers: Orphanet 1465, MedGen C3281201, MONDO:0007617, OMIM 135900. Disease mechanism: gain of function.

Allele frequency attached by ClinVar (database versions not stated): gnomAD 0.46405 and 0.47115; ESP Exome Variant Server 0.47071; gnomAD exomes 0.52458 and 0.52430; 1000 Genomes Project 0.50240; 1000 Genomes Project 30x 0.50422; ExAC 0.52273; TOPMed 0.47836.
gnomAD v4.1: 830,089 of 1,598,460 alleles (52%); highest among the groups gnomAD compares: Admixed American, 59%; 218,748 homozygotes.

Submissions (3):

Genome-Nilou Lab
Classification: Benign for Coffin-Siris syndrome 1. Last evaluated: 2021-07-14. Review status: criteria provided, single submitter. Criteria: ACMG Guidelines, 2015. Collection method: clinical testing. Allele origin: germline. Affected: no.

GeneDx
Classification: Benign. Last evaluated: 2018-07-03. Review status: criteria provided, single submitter. Criteria: GeneDx Variant Classification Process June 2021. Collection method: clinical testing. Allele origin: germline. Affected: yes.

Genetic Services Laboratory, University of Chicago
Classification: Likely benign for AllHighlyPenetrant. Review status: no assertion criteria provided. Collection method: clinical testing. Allele origin: germline. Inheritance: Autosomal dominant inheritance. Observed: 122 variant alleles. Not counted in ClinVar's aggregate classification.
Comment: Likely benign based on allele frequency in 1000 Genomes Project or ESP global frequency and its presence in a patient with a rare or unrelated disease phenotype. NOT Sanger confirmed.